The following is an entry in ClinVar:

ClinVar aggregate classification (germline): Uncertain significance. Review status: criteria provided, multiple submitters, no conflicts (2 of 4 stars). 3 submissions from 3 submitters: Uncertain significance (3). Last evaluated 2026-03-07.

Conditions:
TTN-related disorder. Also called: TTN-related disorders; TTN-related condition; TTN-related disease.
Autosomal recessive limb-girdle muscular dystrophy type 2J (LGMDR10). Also called: Limb-girdle muscular dystrophy, type 2J; MUSCULAR DYSTROPHY, LIMB-GIRDLE, AUTOSOMAL RECESSIVE 10. Identifiers: Orphanet 140922, MedGen C1837342, MONDO:0012127, OMIM 608807.
Dilated cardiomyopathy 1G (CMD1G). Identifiers: Orphanet 154, MedGen C1858763, MONDO:0011400, OMIM 604145.
Early-onset myopathy with fatal cardiomyopathy (CMYO5). Also called: Salih Myopathy; CONGENITAL MYOPATHY 5 WITH CARDIOMYOPATHY. Identifiers: Orphanet 289377, MedGen C2673677, MONDO:0012714, OMIM 611705. Disease mechanism: loss of function.
Hypertrophic cardiomyopathy 9. Also called: Familial hypertrophic cardiomyopathy 9. Identifiers: MedGen C1861065, MONDO:0013412, OMIM 613765.
Myopathy, myofibrillar, 9, with early respiratory failure (MFM9). Also called: Hereditary myopathy with early respiratory failure; MYOPATHY, PROXIMAL, WITH EARLY RESPIRATORY MUSCLE INVOLVEMENT; EDSTROM MYOPATHY; Myopathy, distal, with early respiratory failure, autosomal dominant. Identifiers: Orphanet 178464, Orphanet 34521, MedGen C1863599, MONDO:0011362, OMIM 603689.
Tibial muscular dystrophy (TMD). Also called: UDD MYOPATHY; Tibial muscular dystrophy, tardive; Udd Distal Myopathy – Tibial Muscular Dystrophy. Identifiers: Orphanet 609, MedGen C1838244, MONDO:0010870, OMIM 600334.

Submissions (3):

PreventionGenetics, part of Exact Sciences
Classification: Uncertain significance for TTN-related condition. Last evaluated: 2026-03-07. Review status: criteria provided, single submitter. Criteria: ACMG Guidelines, 2015. Collection method: clinical testing. Allele origin: germline.
Comment: The TTN c.37702G>A variant is predicted to result in the amino acid substitution p.Ala12568Thr. To our knowledge, this variant has not been reported in the literature. This variant is reported in 0.020% of alleles in individuals of European (Non-Finnish) descent in gnomAD. At this time, the clinical significance of this variant is uncertain due to the absence of conclusive functional and genetic evidence.

Fulgent Genetics
Classification: Uncertain significance for Tibial muscular dystrophy; Myopathy, myofibrillar, 9, with early respiratory failure; Dilated cardiomyopathy 1G; Autosomal recessive limb-girdle muscular dystrophy type 2J; Early-onset myopathy with fatal cardiomyopathy; Hypertrophic cardiomyopathy 9. Last evaluated: 2021-09-03. Review status: criteria provided, single submitter. Criteria: ACMG Guidelines, 2015. Collection method: clinical testing. Allele origin: unknown.

Labcorp Genetics (formerly Invitae), Labcorp
Classification: Uncertain significance for Dilated cardiomyopathy 1G; Autosomal recessive limb-girdle muscular dystrophy type 2J. Last evaluated: 2017-08-07. Review status: criteria provided, single submitter. Criteria: Invitae Variant Classification Sherloc (09022015). Collection method: clinical testing. Allele origin: germline.

NM_001267550.2(TTN):c.37702G>A (p.Ala12568Thr)

Gene: TTN (titin; minus strand). Cytogenetic location: 2q31.2.
Variant type: single nucleotide variant.
Coding change: c.37702G>A on transcript NM_001267550.2 (MANE Select); coding-DNA position 37702, G replaced by A.
Protein change: p.Ala12568Thr; replaces alanine 12568 with threonine.
Molecular consequence: missense variant. On other transcripts: intron variant (5).
Genome position (GRCh38, 1-based): chr2:178,658,281, C>T on the plus strand (G>A on the coding strand, the complement: TTN is on the minus strand). VCF-style: chr2-178658281-C-T. GRCh37 (hg19) VCF-style: chr2-179523008-C-T.
Other names: c.13283-15964G>A (NM_003319.4); c.13859-15964G>A (NM_133437.4); c.13658-15964G>A (NM_133432.3); c.31741+724G>A (NM_133378.4); c.34522+724G>A (NM_001256850.1); short protein forms A12568T.
Identifiers: ClinVar variation 404839 (VCV000404839.5), dbSNP rs1060500468, ClinGen allele CA16610494.
Genomic context (GRCh38, chr2:178,658,281, plus strand): 5'-AGGAATGGAAGAGAGATTTCTTCTGCAGGATAAGGTTGAGCTGACATGTACCTGTAACTG[C>T]GGGGGCTTCTGGTTTTTTGATTGGTGCCTTGGGAATTTTCTTTTCTGGGACAACTTCTTG-3'
Protein context (NP_001254479.2, residues 12558-12578): KAPIKKPEAP[Ala12568Thr]VTVPEVPQEA